The following is an entry in ClinVar:

NM_001374828.1(ARID1B):c.2518G>A (p.Gly840Arg)

Gene: ARID1B (AT-rich interaction domain 1B; plus strand). Cytogenetic location: 6q25.3.
Variant type: single nucleotide variant.
Coding change: c.2518G>A on transcript NM_001374828.1 (MANE Select); coding-DNA position 2518, G replaced by A.
Protein change: p.Gly840Arg; replaces glycine 840 with arginine.
Molecular consequence: missense variant.
Genome position (GRCh38, 1-based): chr6:157,110,498, G>A. VCF-style: chr6-157110498-G-A. GRCh37 (hg19) VCF-style: chr6-157431632-G-A.
Other names: c.19G>A, p.Gly7Arg (NM_001363725.2); c.2557G>A, p.Gly853Arg (NM_001371656.1, NM_001374820.1); c.2518G>A, p.Gly840Arg (NM_017519.3); short protein forms G7R, G840R, G853R.
Identifiers: ClinVar variation 1036807 (VCV001036807.9), dbSNP rs1281293131, ClinGen allele CA366386612.

ClinVar aggregate classification (germline): Uncertain significance. Review status: criteria provided, multiple submitters, no conflicts (2 of 4 stars). 2 submissions from 2 submitters: Uncertain significance (2). Last evaluated 2021-09-16.

Allele frequency attached by ClinVar (database versions not stated): gnomAD exomes 0.00001; TOPMed 0.00001.
gnomAD v4.1: 9 of 1,614,060 alleles (0.00056%); highest among the groups gnomAD compares: South Asian, 0.0011%; no homozygotes.

Submissions (2):

Blueprint Genetics
Classification: Uncertain significance. Last evaluated: 2021-09-16. Review status: criteria provided, single submitter. Criteria: ACMG Guidelines, 2015. Collection method: clinical testing. Allele origin: germline.

Labcorp Genetics (formerly Invitae), Labcorp
Classification: Uncertain significance. Last evaluated: 2020-05-05. Review status: criteria provided, single submitter. Criteria: Invitae Variant Classification Sherloc (09022015). Collection method: clinical testing. Allele origin: germline.
Comment: In summary, the available evidence is currently insufficient to determine the role of this variant in disease. Therefore, it has been classified as a Variant of Uncertain Significance. Algorithms developed to predict the effect of missense changes on protein structure and function are either unavailable or do not agree on the potential impact of this missense change (SIFT: "Deleterious"; PolyPhen-2: "Probably Damaging"; Align-GVGD: "Class C0"). This variant has been observed in individual(s) with intellectual disability and/or clinical features of Coffin-Siris syndrome (PMID: 26350204, Invitae). This variant is not present in population databases (ExAC no frequency). This sequence change replaces glycine with arginine at codon 770 of the ARID1B protein (p.Gly770Arg). The glycine residue is highly conserved and there is a moderate physicochemical difference between glycine and arginine.

Literature cited by the submitters: PubMed 26350204 (cited by Labcorp Genetics (formerly Invitae), Labcorp).